The following is an entry in ClinVar:

NM_001128840.3(CACNA1D):c.1520G>A (p.Arg507His)

Gene: CACNA1D (calcium voltage-gated channel subunit alpha1 D; plus strand). Cytogenetic location: 3p21.1.
Variant type: single nucleotide variant.
Coding change: c.1520G>A on transcript NM_001128840.3 (MANE Select); coding-DNA position 1520, G replaced by A.
Protein change: p.Arg507His; replaces arginine 507 with histidine.
Molecular consequence: missense variant.
Genome position (GRCh38, 1-based): chr3:53,722,328, G>A. VCF-style: chr3-53722328-G-A. GRCh37 (hg19) VCF-style: chr3-53756355-G-A.
Other names: c.1580G>A (NM_000720.2, NM_000720.3); c.1580G>A, p.Arg527His (NM_000720.4); c.1520G>A, p.Arg507His (NM_001128839.3); short protein forms R527H, R507H.
Identifiers: ClinVar variation 2052507 (VCV002052507.6), dbSNP rs759521891, ClinGen allele CA2454026.

ClinVar aggregate classification (germline): Uncertain significance. Review status: criteria provided, multiple submitters, no conflicts (2 of 4 stars). 3 submissions from 3 submitters: Uncertain significance (2). 1 of the submissions does not count toward it. Last evaluated 2025-12-29.

Conditions:
Sinoatrial node dysfunction and deafness (SANDD). Identifiers: Orphanet 324321, MedGen C3554018, MONDO:0013960, OMIM 614896.
Inborn genetic diseases. Identifiers: MedGen C0950123, MeSH D030342.

Allele frequency attached by ClinVar (database versions not stated): ExAC 0.00001; gnomAD exomes 0.00001.
gnomAD v4.1: 18 of 1,614,188 alleles (0.0011%); highest among the groups gnomAD compares: Middle Eastern, 0.033%; no homozygotes.

Submissions (3):

Labcorp Genetics (formerly Invitae), Labcorp
Classification: Uncertain significance. Last evaluated: 2025-12-29. Review status: criteria provided, single submitter. Criteria: Invitae Variant Classification Sherloc (09022015). Collection method: clinical testing. Allele origin: germline.
Comment: This sequence change replaces arginine, which is basic and polar, with histidine, which is basic and polar, at codon 527 of the CACNA1D protein (p.Arg527His). This variant is present in population databases (rs759521891, gnomAD 0.002%). This variant has not been reported in the literature in individuals affected with CACNA1D-related conditions. ClinVar contains an entry for this variant (Variation ID: 2052507). Invitae Evidence Modeling of protein sequence and biophysical properties (such as structural, functional, and spatial information, amino acid conservation, physicochemical variation, residue mobility, and thermodynamic stability) indicates that this missense variant is not expected to disrupt CACNA1D protein function with a negative predictive value of 80%. In summary, the available evidence is currently insufficient to determine the role of this variant in disease. Therefore, it has been classified as a Variant of Uncertain Significance.

Ambry Genetics
Classification: Uncertain significance for Inborn genetic diseases. Last evaluated: 2025-09-01. Review status: criteria provided, single submitter. Criteria: Ambry Variant Classification Scheme 2023. Collection method: clinical testing. Allele origin: germline.

Laboratory of Dr. Barbara Vona, University Medical Center Göttingen
Classification: Uncertain significance for Sinoatrial node dysfunction and deafness. Last evaluated: 2025-07-01. Review status: no assertion criteria provided. Collection method: clinical testing. Allele origin: germline. Affected: yes. Not counted in ClinVar's aggregate classification.